The following is an entry in ClinVar:

ClinVar aggregate classification (germline): Uncertain significance (1 of 4 stars; one submission).

Submission:

Labcorp Genetics (formerly Invitae), Labcorp
Classification: Uncertain significance. Last evaluated: 2022-08-01. Review status: criteria provided, single submitter. Criteria: Invitae Variant Classification Sherloc (09022015). Collection method: clinical testing. Allele origin: germline.
Comment: This sequence change replaces glutamic acid, which is acidic and polar, with alanine, which is neutral and non-polar, at codon 237 of the TBCE protein (p.Glu237Ala). This variant is not present in population databases (gnomAD no frequency). This variant has not been reported in the literature in individuals affected with TBCE-related conditions. Algorithms developed to predict the effect of missense changes on protein structure and function output the following: SIFT: "Tolerated"; PolyPhen-2: "Benign"; Align-GVGD: "Class C0". The alanine amino acid residue is found in multiple mammalian species, which suggests that this missense change does not adversely affect protein function. In summary, the available evidence is currently insufficient to determine the role of this variant in disease. Therefore, it has been classified as a Variant of Uncertain Significance.

NM_003193.5(TBCE):c.710A>C (p.Glu237Ala)

Gene: TBCE (tubulin folding cofactor E; plus strand). Cytogenetic location: 1q42.3.
Variant type: single nucleotide variant.
Coding change: c.710A>C on transcript NM_003193.5 (MANE Select); coding-DNA position 710, A replaced by C.
Protein change: p.Glu237Ala; replaces glutamic acid 237 with alanine.
Molecular consequence: missense variant.
Genome position (GRCh38, 1-based): chr1:235,434,253, A>C. VCF-style: chr1-235434253-A-C. GRCh37 (hg19) VCF-style: chr1-235597568-A-C.
Other names: c.710A>C, p.Glu237Ala (NM_001079515.3); c.863A>C, p.Glu288Ala (NM_001287801.2); c.371A>C, p.Glu124Ala (NM_001287802.2); short protein forms E124A, E237A, E288A.
Identifiers: ClinVar variation 1714734 (VCV001714734.3), dbSNP rs2102920238, ClinGen allele CA344937046.